The following is an entry in ClinVar:

ClinVar aggregate classification (germline): Uncertain significance. Review status: criteria provided, multiple submitters, no conflicts (2 of 4 stars). 2 submissions from 2 submitters: Uncertain significance (2). Last evaluated 2025-11-15.

Conditions:
Hypertrophic cardiomyopathy. Also called: HYPERTROPHIC MYOCARDIOPATHY. Identifiers: Orphanet 217569, MedGen C0007194, MeSH D002312, MONDO:0005045, HP:0001639.

Allele frequency attached by ClinVar (database versions not stated): gnomAD exomes 0.00002 and 0.00004; TOPMed 0.00002; ExAC 0.00003.
gnomAD v4.1: 33 of 1,613,794 alleles (0.002%); highest among the groups gnomAD compares: Non-Finnish European, 0.0027%; no homozygotes.

Submissions (2):

Ambry Genetics
Classification: Uncertain significance. Last evaluated: 2025-11-15. Review status: criteria provided, single submitter. Criteria: Ambry Variant Classification Scheme 2023. Collection method: clinical testing. Allele origin: germline.
Comment: The p.G1258S variant (also known as c.3772G>A), located in coding exon 25 of the MYOM1 gene, results from a G to A substitution at nucleotide position 3772. The glycine at codon 1258 is replaced by serine, an amino acid with similar properties. This amino acid position is conserved. In addition, the in silico prediction for this alteration is inconclusive. Since supporting evidence is limited at this time, the clinical significance of this alteration remains unclear.

Labcorp Genetics (formerly Invitae), Labcorp
Classification: Uncertain significance for Hypertrophic cardiomyopathy. Last evaluated: 2024-10-16. Review status: criteria provided, single submitter. Criteria: Invitae Variant Classification Sherloc (09022015). Collection method: clinical testing. Allele origin: germline.
Comment: This sequence change replaces glycine, which is neutral and non-polar, with serine, which is neutral and polar, at codon 1258 of the MYOM1 protein (p.Gly1258Ser). This variant is present in population databases (rs752486832, gnomAD 0.009%). This variant has not been reported in the literature in individuals affected with MYOM1-related conditions. ClinVar contains an entry for this variant (Variation ID: 1010968). Invitae Evidence Modeling of protein sequence and biophysical properties (such as structural, functional, and spatial information, amino acid conservation, physicochemical variation, residue mobility, and thermodynamic stability) has been performed for this missense variant. However, the output from this modeling did not meet the statistical confidence thresholds required to predict the impact of this variant on MYOM1 protein function. In summary, the available evidence is currently insufficient to determine the role of this variant in disease. Therefore, it has been classified as a Variant of Uncertain Significance.

NM_003803.4(MYOM1):c.3772G>A (p.Gly1258Ser)

Gene: MYOM1 (myomesin 1; minus strand). Cytogenetic location: 18p11.31.
Variant type: single nucleotide variant.
Coding change: c.3772G>A on transcript NM_003803.4 (MANE Select); coding-DNA position 3772, G replaced by A.
Protein change: p.Gly1258Ser; replaces glycine 1258 with serine.
Molecular consequence: missense variant.
Genome position (GRCh38, 1-based): chr18:3,094,262, C>T on the plus strand (G>A on the coding strand, the complement: MYOM1 is on the minus strand). VCF-style: chr18-3094262-C-T. GRCh37 (hg19) VCF-style: chr18-3094260-C-T.
Other names: c.3772G>A (NM_003803.3); c.3484G>A, p.Gly1162Ser (NM_019856.2); short protein forms G1162S, G1258S.
Identifiers: ClinVar variation 1010968 (VCV001010968.10), dbSNP rs752486832, ClinGen allele CA8874168.